The following is an entry in ClinVar:

NM_005070.4(SLC4A3):c.1028G>A (p.Arg343His)

Gene: SLC4A3 (solute carrier family 4 member 3; plus strand). Cytogenetic location: 2q35.
Variant type: single nucleotide variant.
Coding change: c.1028G>A on transcript NM_005070.4 (MANE Select); coding-DNA position 1028, G replaced by A.
Protein change: p.Arg343His; replaces arginine 343 with histidine.
Molecular consequence: missense variant. On other transcripts: non-coding transcript variant (1).
Genome position (GRCh38, 1-based): chr2:219,632,329, G>A. VCF-style: chr2-219632329-G-A. GRCh37 (hg19) VCF-style: chr2-220497051-G-A.
Other names: R370H; c.1109G>A, p.Arg370His (NM_001326559.2, NM_201574.3); short protein forms R343H.
Identifiers: ClinVar variation 2443882 (VCV002443882.2), dbSNP rs2469281007, ClinGen allele CA350750097.
Genomic context (GRCh38, chr2:219,632,329, plus strand): 5'-TGGAGCTGAACGAGCTGATGCTGGACCGCAGCCAGGAGCCCCACTGGCGGGAGACGGCCC[G>A]CTGGATCAAGTTTGAGGAGGACGTGGAGGAGGAGACGGAGCGCTGGGGGAAGCCCCATGT-3'
Protein context (NP_005061.3, residues 333-353): SQEPHWRETA[Arg343His]WIKFEEDVEE

ClinVar aggregate classification (germline): Pathogenic. Review status: criteria provided, single submitter (1 of 4 stars). 2 submissions from 2 submitters: Pathogenic (1). 1 of the submissions does not count toward it. Last evaluated 2026-01-13.

Conditions:
Short QT syndrome 7 (SQT7). Identifiers: MedGen C5774304, MONDO:0859368, OMIM 620231.

gnomAD v4.1: 1 of 1,614,050 alleles (0.000062%); highest among the groups gnomAD compares: Non-Finnish European, 0.000085%; no homozygotes.

Submissions (2):

Variantyx, Inc.
Classification: Pathogenic for Short QT syndrome 7. Last evaluated: 2026-01-13. Review status: criteria provided, single submitter. Criteria: Variantyx Assertion Criteria 2022. Collection method: clinical testing. Allele origin: germline. Inheritance: Autosomal dominant inheritance. Affected: no.
Comment: This is a nonsynonymous variant in the SLC4A3 gene (OMIM: 106195). Pathogenic variants in this gene have been associated with autosomal dominant short QT syndrome 7. This variant has been reported in several unrelated affected individuals (PMID: 29167417, 36806574) (PS4_Moderate), and it has been observed to segregate with disease in at least 26 individuals from 2 families (PMID: 29167417) (PP1). Functional studies have shown that this variant alters SLC4A3 protein function (PMID: 29167417, 36806574) (PS3_Moderate), and multiple computational algorithms predict a deleterious effect for this variant (REVEL score: 0.814) (PP3). This variant has a 0.0001% maximum allele frequency in non-founder control populations (PM2). Based on the current evidence, this variant is classified as pathogenic for autosomal dominant short QT syndrome 7.

OMIM
Classification: Pathogenic for SHORT QT SYNDROME 7. Last evaluated: 2023-01-31. Review status: no assertion criteria provided. Collection method: literature only. Allele origin: germline. Not counted in ClinVar's aggregate classification.

Literature cited by the submitters: PubMed 29167417 (cited by Variantyx, Inc. and OMIM); PubMed 36806574 (cited by Variantyx, Inc.).